The following is an entry in ClinVar:

NM_014396.4(VPS41):c.1668T>G (p.Ile556Met)

Gene: VPS41 (VPS41 subunit of HOPS complex; minus strand). Cytogenetic location: 7p14.1.
Variant type: single nucleotide variant.
Coding change: c.1668T>G on transcript NM_014396.4 (MANE Select); coding-DNA position 1668, T replaced by G.
Protein change: p.Ile556Met; replaces isoleucine 556 with methionine.
Molecular consequence: missense variant.
Genome position (GRCh38, 1-based): chr7:38,756,865, A>C on the plus strand (T>G on the coding strand, the complement: VPS41 is on the minus strand). VCF-style: chr7-38756865-A-C. GRCh37 (hg19) VCF-style: chr7-38796465-A-C.
Other names: c.1593T>G, p.Ile531Met (NM_080631.4); short protein forms I531M, I556M.
Identifiers: ClinVar variation 4532466 (VCV004532466.2).

ClinVar aggregate classification (germline): Uncertain significance (1 of 4 stars; one submission).

Submission:

GeneDx
Classification: Uncertain significance. Last evaluated: 2025-12-22. Review status: criteria provided, single submitter. Criteria: GeneDx Variant Classification Process June 2021. Collection method: clinical testing. Allele origin: germline.
Comment: Not observed at significant frequency in large population cohorts (gnomAD); In silico analysis suggests that this missense variant does not alter protein structure/function; Has not been previously published as pathogenic or benign to our knowledge